The following is an entry in ClinVar:

NM_006073.4(TRDN):c.1313T>A (p.Ile438Asn)

Gene: TRDN (triadin; minus strand). Cytogenetic location: 6q22.31.
Variant type: single nucleotide variant.
Coding change: c.1313T>A on transcript NM_006073.4 (MANE Select); coding-DNA position 1313, T replaced by A.
Protein change: p.Ile438Asn; replaces isoleucine 438 with asparagine.
Molecular consequence: missense variant.
Genome position (GRCh38, 1-based): chr6:123,366,143, A>T on the plus strand (T>A on the coding strand, the complement: TRDN is on the minus strand). VCF-style: chr6-123366143-A-T. GRCh37 (hg19) VCF-style: chr6-123687288-A-T.
Other names: c.1316T>A, p.Ile439Asn (NM_001251987.2); short protein forms I438N, I439N.
Identifiers: ClinVar variation 227109 (VCV000227109.37), dbSNP rs2873479, ClinGen allele CA3984010.

ClinVar aggregate classification (germline): Benign/Likely benign. Review status: criteria provided, multiple submitters, no conflicts (2 of 4 stars). 10 submissions from 10 submitters: Benign (6); Likely benign (1). 3 of the submissions do not count toward it. Last evaluated 2026-02-04.

Conditions:
Cardiovascular phenotype. Identifiers: MedGen CN230736.
TRDN-related disorder. Also called: TRDN-related condition.
Catecholaminergic polymorphic ventricular tachycardia 5 (CARDAR). Also called: Ventricular tachycardia, catecholaminergic polymorphic, 5, with or without muscle weakness; CARDIAC ARRHYTHMIA SYNDROME, WITH OR WITHOUT SKELETAL MUSCLE WEAKNESS. Identifiers: Orphanet 3286, MedGen C3809536, MONDO:0014191, OMIM 615441.
Catecholaminergic polymorphic ventricular tachycardia 1. Also called: VENTRICULAR TACHYCARDIA, STRESS-INDUCED POLYMORPHIC 1; VENTRICULAR TACHYCARDIA, CATECHOLAMINERGIC POLYMORPHIC, 1, WITH OR WITHOUT ATRIAL DYSFUNCTION AND/OR DILATED CARDIOMYOPATHY; RYR2-Related Catecholaminergic Polymorphic Ventricular Tachycardia. Identifiers: Orphanet 3286, MedGen C1631597, MONDO:0011484, OMIM 604772.

Allele frequency attached by ClinVar (database versions not stated): 1000 Genomes Project 30x 0.01405; 1000 Genomes Project 0.01597.
gnomAD v4.1: 4,371 of 1,612,394 alleles (0.27%); highest among the groups gnomAD compares: East Asian, 7.2%; 140 homozygotes.

Submissions (10):

Labcorp Genetics (formerly Invitae), Labcorp
Classification: Benign for Catecholaminergic polymorphic ventricular tachycardia 1. Last evaluated: 2026-02-04. Review status: criteria provided, single submitter. Criteria: Invitae Variant Classification Sherloc (09022015). Collection method: clinical testing. Allele origin: germline.

Mayo Clinic Laboratories, Mayo Clinic
Classification: Benign. Last evaluated: 2024-04-29. Review status: criteria provided, single submitter. Criteria: ACMG Guidelines, 2015. Collection method: clinical testing. Allele origin: germline. Observed: 6 variant alleles.

ARUP Laboratories, Molecular Genetics and Genomics, ARUP Laboratories
Classification: Benign for Catecholaminergic polymorphic ventricular tachycardia 5. Last evaluated: 2023-11-09. Review status: criteria provided, single submitter. Criteria: ARUP Molecular Germline Variant Investigation Process 2024. Collection method: clinical testing. Allele origin: germline.

Women's Health and Genetics/Laboratory Corporation of America, LabCorp
Classification: Likely benign. Last evaluated: 2023-10-29. Review status: criteria provided, single submitter. Criteria: LabCorp Variant Classification Summary - May 2015. Collection method: clinical testing. Allele origin: germline.

GeneDx
Classification: Benign. Last evaluated: 2016-10-12. Review status: criteria provided, single submitter. Criteria: GeneDx Variant Classification (06012015). Collection method: clinical testing. Allele origin: germline. Affected: yes.
Comment: This variant is considered likely benign or benign based on one or more of the following criteria: it is a conservative change, it occurs at a poorly conserved position in the protein, it is predicted to be benign by multiple in silico algorithms, and/or has population frequency not consistent with disease.

Laboratory for Molecular Medicine, Mass General Brigham Personalized Medicine
Classification: Benign. Last evaluated: 2015-06-11. Review status: criteria provided, single submitter. Criteria: LMM Criteria. Collection method: clinical testing. Allele origin: germline. Observed: 2 variant alleles.
Comment: p.Ile438Asn in exon 20 of TRDN: This variant is not expected to have clinical si gnificance it has been identified in 8.1% (693/8588) of East Asian chromosomes, including 21 homozygotes, by the Exome Aggregation Consortium (ExAC .; dbSNP rs2873479).

Ambry Genetics
Classification: Benign for Cardiovascular phenotype. Last evaluated: 2015-06-09. Review status: criteria provided, single submitter. Criteria: Ambry Variant Classification Scheme 2023. Collection method: clinical testing. Allele origin: germline.

PreventionGenetics, part of Exact Sciences
Classification: Benign for TRDN-related condition. Last evaluated: 2019-04-09. Review status: no assertion criteria provided. Collection method: clinical testing. Allele origin: germline. Not counted in ClinVar's aggregate classification.
Comment: This variant is classified as benign based on ACMG/AMP sequence variant interpretation guidelines (Richards et al. 2015 PMID: 25741868, with internal and published modifications).

Clinical Genetics, Academic Medical Center
Classification: Benign. Review status: no assertion criteria provided. Collection method: clinical testing. Allele origin: germline. Affected: yes. Study: VKGL Data-share Consensus. Not counted in ClinVar's aggregate classification.

Joint Genome Diagnostic Labs from Nijmegen and Maastricht, Radboudumc and MUMC+
Classification: Benign. Review status: no assertion criteria provided. Collection method: clinical testing. Allele origin: germline. Affected: yes. Study: VKGL Data-share Consensus. Not counted in ClinVar's aggregate classification.